The following is an entry in ClinVar:

ClinVar aggregate classification (germline): Conflicting classifications of pathogenicity. Review status: criteria provided, conflicting classifications (1 of 4 stars). 3 submissions from 3 submitters: Uncertain significance (1); Likely benign (2). Last evaluated 2025-06-19.

Conditions:
Inborn genetic diseases. Identifiers: MedGen C0950123, MeSH D030342.
Developmental and epileptic encephalopathy 94 (DEE94). Also called: Epileptic encephalopathy, childhood-onset; CHD2-Related Neurodevelopmental Disorders. Identifiers: Orphanet 1942, Orphanet 2382, MedGen C3809278, MONDO:0014150, OMIM 615369.

Allele frequency attached by ClinVar (database versions not stated): gnomAD exomes 0.00002 and 0.00004; ExAC 0.00004; TOPMed 0.00012; ESP Exome Variant Server 0.00015; gnomAD 0.00015 and 0.00016; 1000 Genomes Project 30x 0.00016; 1000 Genomes Project 0.00020.
gnomAD v4.1: 45 of 1,606,622 alleles (0.0028%); highest among the groups gnomAD compares: African/African-American, 0.045%; no homozygotes.

Submissions (3):

Labcorp Genetics (formerly Invitae), Labcorp
Classification: Uncertain significance for Developmental and epileptic encephalopathy 94. Last evaluated: 2025-06-19. Review status: criteria provided, single submitter. Criteria: Invitae Variant Classification Sherloc (09022015). Collection method: clinical testing. Allele origin: germline.
Comment: This sequence change falls in intron 6 of the CHD2 gene. It does not directly change the encoded amino acid sequence of the CHD2 protein. It affects a nucleotide within the consensus splice site. This variant is present in population databases (rs376498798, gnomAD 0.04%). This variant has not been reported in the literature in individuals affected with CHD2-related conditions. ClinVar contains an entry for this variant (Variation ID: 386123). Variants that disrupt the consensus splice site are a relatively common cause of aberrant splicing (PMID: 17576681, 9536098). Algorithms developed to predict the effect of sequence changes on RNA splicing suggest that this variant is not likely to affect RNA splicing. In summary, the available evidence is currently insufficient to determine the role of this variant in disease. Therefore, it has been classified as a Variant of Uncertain Significance.

GeneDx
Classification: Likely benign. Last evaluated: 2020-11-10. Review status: criteria provided, single submitter. Criteria: GeneDx Variant Classification Process June 2021. Collection method: clinical testing. Allele origin: germline. Affected: yes.

Ambry Genetics
Classification: Likely benign for Inborn genetic diseases. Last evaluated: 2018-08-20. Review status: criteria provided, single submitter. Criteria: Ambry Variant Classification Scheme 2023. Collection method: clinical testing. Allele origin: germline.

Literature cited by the submitters: PubMed 17576681 (cited by Labcorp Genetics (formerly Invitae), Labcorp); PubMed 9536098 (cited by Labcorp Genetics (formerly Invitae), Labcorp).

NM_001271.4(CHD2):c.551+5A>C

Gene: CHD2 (chromodomain helicase DNA binding protein 2; plus strand). Cytogenetic location: 15q26.1.
Variant type: single nucleotide variant.
Coding change: c.551+5A>C on transcript NM_001271.4 (MANE Select); 5 bases into the intron after coding-DNA position 551, A replaced by C.
Molecular consequence: intron variant.
Genome position (GRCh38, 1-based): chr15:92,937,630, A>C. VCF-style: chr15-92937630-A-C. GRCh37 (hg19) VCF-style: chr15-93480860-A-C.
Other names: c.551+5A>C (NM_001042572.3).
Identifiers: ClinVar variation 386123 (VCV000386123.11), dbSNP rs376498798, ClinGen allele CA7747549.
Genomic context (GRCh38, chr15:92,937,630, plus strand): 5'-GCAGAGAGTGAGCCAGAACAAAAAAAAGTAAAAGCCAGAAGACCTGTCCCCAGAAGGTGC[A>C]CTGTTTGCTTAAGATCTCTACTTGGGATGAGCTTAATCTGCTGTAGATTGGGAAGGATAA-3'